The following is an entry in ClinVar:

NM_004655.4(AXIN2):c.355C>T (p.Gln119Ter)

Gene: AXIN2 (axin 2; minus strand). Cytogenetic location: 17q24.1.
Variant type: single nucleotide variant.
Coding change: c.355C>T on transcript NM_004655.4 (MANE Select); coding-DNA position 355, C replaced by T.
Protein change: p.Gln119Ter; replaces glutamine 119 with a stop codon.
Molecular consequence: nonsense.
Genome position (GRCh38, 1-based): chr17:65,558,266, G>A on the plus strand (C>T on the coding strand, the complement: AXIN2 is on the minus strand). VCF-style: chr17-65558266-G-A. GRCh37 (hg19) VCF-style: chr17-63554384-G-A.
Other names: c.355C>T, p.Gln119Ter (NM_001363813.1); short protein forms Q119*.
Identifiers: ClinVar variation 823928 (VCV000823928.4), dbSNP rs1598119841, ClinGen allele CA400681577.

ClinVar aggregate classification (germline): Pathogenic (1 of 4 stars; one submission).

Conditions:
Hereditary cancer-predisposing syndrome. Also called: Neoplastic Syndromes, Hereditary; Tumor predisposition; Hereditary neoplastic syndrome; Hereditary Cancer Syndrome. Identifiers: Orphanet 140162, MedGen C0027672, MeSH D009386, MONDO:0015356.

Submission:

Ambry Genetics
Classification: Pathogenic for Hereditary cancer-predisposing syndrome. Last evaluated: 2019-09-10. Review status: criteria provided, single submitter. Criteria: Ambry Variant Classification Scheme 2023. Collection method: clinical testing. Allele origin: germline.
Comment: The p.Q119* pathogenic mutation (also known as c.355C>T), located in coding exon 1 of the AXIN2 gene, results from a C to T substitution at nucleotide position 355. This changes the amino acid from a glutamine to a stop codon within coding exon 1. This alteration is expected to result in loss of function by premature protein truncation or nonsense-mediated mRNA decay. As such, this alteration is interpreted as a disease-causing mutation.